The following is an entry in ClinVar:

NM_000051.4(ATM):c.6218T>G (p.Leu2073Arg)

Genes: ATM (ATM serine/threonine kinase; plus strand), C11orf65 (chromosome 11 open reading frame 65; minus strand). Cytogenetic location: 11q22.3.
Variant type: single nucleotide variant.
Coding change: c.6218T>G on transcript NM_000051.4 (MANE Select); coding-DNA position 6218, T replaced by G.
Protein change: p.Leu2073Arg; replaces leucine 2073 with arginine.
Molecular consequence: missense variant. On other transcripts: intron variant (2).
Genome position (GRCh38, 1-based): chr11:108,317,392, T>G. VCF-style: chr11-108317392-T-G. GRCh37 (hg19) VCF-style: chr11-108188119-T-G.
Other names: c.*39-8321A>C (NM_001351110.2); c.6218T>G, p.Leu2073Arg (NM_001351834.2); c.641-8321A>C (NM_001330368.2); short protein forms L2073R.
Identifiers: ClinVar variation 3571769 (VCV003571769.1).
Genomic context (GRCh38, chr11:108,317,392, plus strand): 5'-CTTTGATTACTTAACTTAAAAACAAAATAACTCCTGTTTAGGCCTTGCAGAATTTGGGAC[T>G]CTGCCATATTCTTTCCGTCTATTTAAAAGGATTGGATTATGAAAATAAAGACTGGTGTCC-3'
Protein context (NP_000042.3, residues 2063-2083): GIIQALQNLG[Leu2073Arg]CHILSVYLKG

ClinVar aggregate classification (germline): Uncertain significance (1 of 4 stars; one submission).

Submission:

Athena Diagnostics
Classification: Uncertain significance. Last evaluated: 2024-02-02. Review status: criteria provided, single submitter. Criteria: Athena Diagnostics Criteria. Collection method: clinical testing. Allele origin: unknown.
Comment: Available data are insufficient to determine the clinical significance of the variant at this time. This variant has not been reported in large, multi-ethnic general populations. Computational tools predict that this variant is damaging.